The following is an entry in ClinVar:

ClinVar aggregate classification (germline): Uncertain significance (1 of 4 stars; one submission).

Conditions:
Immunodeficiency-centromeric instability-facial anomalies syndrome 2 (ICF2). Identifiers: Orphanet 2268, MedGen C3279748, MONDO:0013553, OMIM 614069.

Allele frequency attached by ClinVar (database versions not stated): TOPMed below 0.00001.

Submission:

Center for Genomics, Ann and Robert H. Lurie Children's Hospital of Chicago
Classification: Uncertain significance for Immunodeficiency-centromeric instability-facial anomalies syndrome 2. Last evaluated: 2022-07-25. Review status: criteria provided, single submitter. Criteria: ACMG Guidelines, 2015. Collection method: clinical testing. Allele origin: germline.
Comment: This variant has not been reported in the literature and is not present in large control databases. This variant amino acid Alanine (Ala) is present in several species including multiple mammals and is not well conserved among evolutionarily distant species; this suggests that this variant may not impact the protein. Additional computational prediction tools do not suggest an impact. In summary, data on this variant is insufficient for disease classification. Therefore, the clinical significance of this variant is uncertain.

NM_014797.3(ZBTB24):c.1786A>G (p.Thr596Ala)

Gene: ZBTB24 (zinc finger and BTB domain containing 24; minus strand). Cytogenetic location: 6q21.
Variant type: single nucleotide variant.
Coding change: c.1786A>G on transcript NM_014797.3 (MANE Select); coding-DNA position 1786, A replaced by G.
Protein change: p.Thr596Ala; replaces threonine 596 with alanine.
Molecular consequence: missense variant.
Genome position (GRCh38, 1-based): chr6:109,466,159, T>C on the plus strand (A>G on the coding strand, the complement: ZBTB24 is on the minus strand). VCF-style: chr6-109466159-T-C. GRCh37 (hg19) VCF-style: chr6-109787362-T-C.
Other names: short protein forms T596A.
Identifiers: ClinVar variation 2500112 (VCV002500112.1), dbSNP rs1776034783, ClinGen allele CA365195333.
Genomic context (GRCh38, chr6:109,466,159, plus strand): 5'-GTTCTGTTTGCTCCTGTTGAGCTGAAAGAATTAAATTCTGCAGTTGCTCTGGCTGCTGCG[T>C]GAGCAGGGTAAGATTAGCAGCCTGGTCTGCAGTCATGTTTTGGGAACTCTCTGCAGTCAC-3'
Protein context (NP_055612.2, residues 586-606): ADQAANLTLL[Thr596Ala]QQPEQLQNLI